The following is an entry in ClinVar:

ClinVar aggregate classification (germline): Uncertain significance (1 of 4 stars; one submission).

Allele frequency attached by ClinVar (database versions not stated): gnomAD exomes below 0.00001; TOPMed below 0.00001.
gnomAD v4.1: 2 of 1,613,942 alleles (0.00012%); highest among the groups gnomAD compares: Non-Finnish European, 0.00017%; no homozygotes.

Submission:

Labcorp Genetics (formerly Invitae), Labcorp
Classification: Uncertain significance. Last evaluated: 2023-01-15. Review status: criteria provided, single submitter. Criteria: Invitae Variant Classification Sherloc (09022015). Collection method: clinical testing. Allele origin: germline.
Comment: Variants that disrupt the consensus splice site are a relatively common cause of aberrant splicing (PMID: 17576681, 9536098). Algorithms developed to predict the effect of sequence changes on RNA splicing suggest that this variant is not likely to affect RNA splicing. This variant has not been reported in the literature in individuals affected with AGAP1-related conditions. This variant is not present in population databases (gnomAD no frequency). This sequence change falls in intron 2 of the AGAP1 gene. It does not directly change the encoded amino acid sequence of the AGAP1 protein. It affects a nucleotide within the consensus splice site. In summary, the available evidence is currently insufficient to determine the role of this variant in disease. Therefore, it has been classified as a Variant of Uncertain Significance.

Literature cited by the submitters: PubMed 17576681; PubMed 9536098.

NM_001037131.3(AGAP1):c.222+4A>G

Genes: AGAP1 (ArfGAP with GTPase domain, ankyrin repeat and PH domain 1; plus strand), LOC126806566 (P300/CBP strongly-dependent group 1 enhancer GRCh37_chr2:236617362-236618561; plus strand). Cytogenetic location: 2q37.2.
Variant type: single nucleotide variant.
Coding change: c.222+4A>G on transcript NM_001037131.3 (MANE Select); 4 bases into the intron after coding-DNA position 222, A replaced by G.
Molecular consequence: intron variant.
Genome position (GRCh38, 1-based): chr2:235,709,241, A>G. VCF-style: chr2-235709241-A-G. GRCh37 (hg19) VCF-style: chr2-236617885-A-G.
Other names: c.222+4A>G (NM_014914.5, NM_001244888.2).
Identifiers: ClinVar variation 2807572 (VCV002807572.3), dbSNP rs769040477, ClinGen allele CA67688009.